The following is an entry in ClinVar:

NM_002838.5(PTPRC):c.2815A>C (p.Ser939Arg)

Gene: PTPRC (protein tyrosine phosphatase receptor type C; plus strand). Cytogenetic location: 1q32.1.
Variant type: single nucleotide variant.
Coding change: c.2815A>C on transcript NM_002838.5 (MANE Select); coding-DNA position 2815, A replaced by C.
Protein change: p.Ser939Arg; replaces serine 939 with arginine.
Molecular consequence: missense variant.
Genome position (GRCh38, 1-based): chr1:198,744,171, A>C. VCF-style: chr1-198744171-A-C. GRCh37 (hg19) VCF-style: chr1-198713300-A-C.
Other names: c.2332A>C, p.Ser778Arg (NM_080921.4); short protein forms S778R, S939R.
Identifiers: ClinVar variation 1467338 (VCV001467338.6), dbSNP rs2102522478, ClinGen allele CA344051787.
Genomic context (GRCh38, chr1:198,744,171, plus strand): 5'-GAAGTGAATTTGTCTGAATTACATCCATATCTACATAACATGAAGAAAAGGGATCCACCC[A>C]GTGAGCCGTCTCCACTAGAGGCTGAATTCCAGGTAATGATAGTGACAACAATAATAATAA-3'
Protein context (NP_002829.3, residues 929-949): LHNMKKRDPP[Ser939Arg]EPSPLEAEFQ

ClinVar aggregate classification (germline): Uncertain significance (1 of 4 stars; one submission).

Conditions:
Immunodeficiency 104. Also called: Severe Combined Immune Deficiency, Autosomal Recessive, TCell -Negative, B Cell-Positive, NK Cell-Positive, IL7R-Related; Severe combined immunodeficiency, autosomal recessive, T cell-negative, B cell-positive, NK cell-positive; SCID, AUTOSOMAL RECESSIVE, T CELL-NEGATIVE, B CELL-POSITIVE, NK CELL-POSITIVE; IMMUNODEFICIENCY 104, SEVERE COMBINED. Identifiers: MedGen C5676890, MONDO:0012163, OMIM 608971.

Submission:

Labcorp Genetics (formerly Invitae), Labcorp
Classification: Uncertain significance for Immunodeficiency 104. Last evaluated: 2021-08-09. Review status: criteria provided, single submitter. Criteria: Invitae Variant Classification Sherloc (09022015). Collection method: clinical testing. Allele origin: germline.
Comment: This variant is not present in population databases (ExAC no frequency). In summary, the available evidence is currently insufficient to determine the role of this variant in disease. Therefore, it has been classified as a Variant of Uncertain Significance. Algorithms developed to predict the effect of missense changes on protein structure and function (SIFT, PolyPhen-2, Align-GVGD) all suggest that this variant is likely to be disruptive. This variant has not been reported in the literature in individuals affected with PTPRC-related conditions. This sequence change replaces serine with arginine at codon 939 of the PTPRC protein (p.Ser939Arg). The serine residue is highly conserved and there is a moderate physicochemical difference between serine and arginine.